The following is an entry in ClinVar:

ClinVar aggregate classification (germline): Uncertain significance. Review status: criteria provided, multiple submitters, no conflicts (2 of 4 stars). 2 submissions from 2 submitters: Uncertain significance (2). Last evaluated 2024-06-02.

Conditions:
Inborn genetic diseases. Identifiers: MedGen C0950123, MeSH D030342.
Primary ciliary dyskinesia 32. Also called: CILIARY DYSKINESIA, PRIMARY, 32, WITHOUT SITUS INVERSUS. Identifiers: Orphanet 244, MedGen C4225311, MONDO:0014657, OMIM 616481.

Allele frequency attached by ClinVar (database versions not stated): ExAC 0.00003; ESP Exome Variant Server 0.00008.

Submissions (2):

Labcorp Genetics (formerly Invitae), Labcorp
Classification: Uncertain significance for Primary ciliary dyskinesia 32. Last evaluated: 2024-06-02. Review status: criteria provided, single submitter. Criteria: Invitae Variant Classification Sherloc (09022015). Collection method: clinical testing. Allele origin: germline.
Comment: This sequence change replaces arginine, which is basic and polar, with glutamine, which is neutral and polar, at codon 362 of the RSPH3 protein (p.Arg362Gln). This variant is present in population databases (rs145688686, gnomAD 0.007%). This variant has not been reported in the literature in individuals affected with RSPH3-related conditions. An algorithm developed to predict the effect of missense changes on protein structure and function (PolyPhen-2) suggests that this variant is likely to be disruptive. In summary, the available evidence is currently insufficient to determine the role of this variant in disease. Therefore, it has been classified as a Variant of Uncertain Significance.

Ambry Genetics
Classification: Uncertain significance for Inborn genetic diseases. Last evaluated: 2023-11-29. Review status: criteria provided, single submitter. Criteria: Ambry Variant Classification Scheme 2023. Collection method: clinical testing. Allele origin: germline.

NM_031924.8(RSPH3):c.659G>A (p.Arg220Gln)

Gene: RSPH3 (radial spoke head 3; minus strand). Cytogenetic location: 6q25.3.
Variant type: single nucleotide variant.
Coding change: c.659G>A on transcript NM_031924.8 (MANE Select); coding-DNA position 659, G replaced by A.
Protein change: p.Arg220Gln; replaces arginine 220 with glutamine.
Molecular consequence: missense variant. On other transcripts: non-coding transcript variant (1).
Genome position (GRCh38, 1-based): chr6:158,982,522, C>T on the plus strand (G>A on the coding strand, the complement: RSPH3 is on the minus strand). VCF-style: chr6-158982522-C-T. GRCh37 (hg19) VCF-style: chr6-159403554-C-T.
Other names: c.797G>A, p.Arg266Gln (NM_001346418.1); short protein forms R266Q, R220Q.
Identifiers: ClinVar variation 3156710 (VCV003156710.3), dbSNP rs145688686, ClinGen allele CA4075851.
Genomic context (GRCh38, chr6:158,982,522, plus strand): 5'-AAAGAAAATATAATTATATATACTTTTTCTTCTCGGTGTCGCCTCTCTTGCTCTTCAAGT[C>T]GTTGAACTTCAGCACGTTCACTATTCCGTAGTTCTTCATACTCACGCTGACTGGCCCGCA-3'
Protein context (NP_114130.4, residues 210-230): LRNSERAEVQ[Arg220Gln]LEEQERRHRE